The following is an entry in ClinVar:

ClinVar aggregate classification (germline): Uncertain significance. Review status: criteria provided, multiple submitters, no conflicts (2 of 4 stars). 2 submissions from 2 submitters: Uncertain significance (2). Last evaluated 2025-09-15.

Conditions:
FG syndrome (FGS). Identifiers: MedGen C0220769, MONDO:0002010.

Submissions (2):

Labcorp Genetics (formerly Invitae), Labcorp
Classification: Uncertain significance for FG syndrome. Last evaluated: 2025-09-15. Review status: criteria provided, single submitter. Criteria: Invitae Variant Classification Sherloc (09022015). Collection method: clinical testing. Allele origin: germline.
Comment: This sequence change replaces serine, which is neutral and polar, with proline, which is neutral and non-polar, at codon 1419 of the MED12 protein (p.Ser1419Pro). This variant is not present in population databases (gnomAD no frequency). This variant has not been reported in the literature in individuals affected with MED12-related conditions. ClinVar contains an entry for this variant (Variation ID: 1328710). An algorithm developed to predict the effect of missense changes on protein structure and function (PolyPhen-2) suggests that this variant is likely to be tolerated. In summary, the available evidence is currently insufficient to determine the role of this variant in disease. Therefore, it has been classified as a Variant of Uncertain Significance.

GeneDx
Classification: Uncertain significance. Last evaluated: 2025-05-24. Review status: criteria provided, single submitter. Criteria: GeneDx Variant Classification Process June 2021. Collection method: clinical testing. Allele origin: germline. Affected: yes.
Comment: Not observed at significant frequency in large population cohorts (gnomAD); Has not been previously published as pathogenic or benign to our knowledge; In silico analysis suggests that this missense variant does not alter protein structure/function

NM_005120.3(MED12):c.4255T>C (p.Ser1419Pro)

Gene: MED12 (mediator complex subunit 12; plus strand). Cytogenetic location: Xq13.1.
Variant type: single nucleotide variant.
Coding change: c.4255T>C on transcript NM_005120.3 (MANE Select); coding-DNA position 4255, T replaced by C.
Protein change: p.Ser1419Pro; replaces serine 1419 with proline.
Molecular consequence: missense variant.
Genome position (GRCh38, 1-based): chrX:71,132,378, T>C. VCF-style: chrX-71132378-T-C. GRCh37 (hg19) VCF-style: chrX-70352228-T-C.
Other names: short protein forms S1419P.
Identifiers: ClinVar variation 1328710 (VCV001328710.7), dbSNP rs2147814288, ClinGen allele CA413526063.